The following is an entry in ClinVar:

NM_001365951.3(KIF1B):c.4595C>A (p.Pro1532His)

Gene: KIF1B (kinesin family member 1B; plus strand). Cytogenetic location: 1p36.22.
Variant type: single nucleotide variant.
Coding change: c.4595C>A on transcript NM_001365951.3 (MANE Select); coding-DNA position 4595, C replaced by A.
Protein change: p.Pro1532His; replaces proline 1532 with histidine.
Molecular consequence: missense variant.
Genome position (GRCh38, 1-based): chr1:10,365,491, C>A. VCF-style: chr1-10365491-C-A. GRCh37 (hg19) VCF-style: chr1-10425549-C-A.
Other names: c.4595C>A, p.Pro1532His (NM_001365952.1); c.4457C>A, p.Pro1486His (NM_015074.3); short protein forms P1486H, P1532H.
Identifiers: ClinVar variation 1740737 (VCV001740737.2), dbSNP rs2521914784, ClinGen allele CA338322005.

ClinVar aggregate classification (germline): Uncertain significance (1 of 4 stars; one submission).

Submission:

Ambry Genetics
Classification: Uncertain significance. Last evaluated: 2022-03-01. Review status: criteria provided, single submitter. Criteria: Ambry Variant Classification Scheme 2023. Collection method: clinical testing. Allele origin: germline.
Comment: The p.P1486H variant (also known as c.4457C>A), located in coding exon 40 of the KIF1B gene, results from a C to A substitution at nucleotide position 4457. The proline at codon 1486 is replaced by histidine, an amino acid with similar properties. This amino acid position is conserved. In addition, the in silico prediction for this alteration is inconclusive. Since supporting evidence is limited at this time, the clinical significance of this alteration remains unclear.